The following is an entry in ClinVar:

NM_004341.5(CAD):c.5410G>C (p.Gly1804Arg)

Gene: CAD (carbamoyl-phosphate synthetase 2, aspartate transcarbamylase, and dihydroorotase; plus strand). Cytogenetic location: 2p23.3.
Variant type: single nucleotide variant.
Coding change: c.5410G>C on transcript NM_004341.5 (MANE Select); coding-DNA position 5410, G replaced by C.
Protein change: p.Gly1804Arg; replaces glycine 1804 with arginine.
Molecular consequence: missense variant.
Genome position (GRCh38, 1-based): chr2:27,239,712, G>C. VCF-style: chr2-27239712-G-C. GRCh37 (hg19) VCF-style: chr2-27462580-G-C.
Other names: c.5221G>C, p.Gly1741Arg (NM_001306079.2); short protein forms G1804R, G1741R.
Identifiers: ClinVar variation 1461564 (VCV001461564.8), dbSNP rs769432903, ClinGen allele CA346222792.

ClinVar aggregate classification (germline): Uncertain significance (1 of 4 stars; one submission).

Submission:

Labcorp Genetics (formerly Invitae), Labcorp
Classification: Uncertain significance. Last evaluated: 2022-09-01. Review status: criteria provided, single submitter. Criteria: Invitae Variant Classification Sherloc (09022015). Collection method: clinical testing. Allele origin: germline.
Comment: In summary, the available evidence is currently insufficient to determine the role of this variant in disease. Therefore, it has been classified as a Variant of Uncertain Significance. Algorithms developed to predict the effect of missense changes on protein structure and function are either unavailable or do not agree on the potential impact of this missense change (SIFT: "Deleterious"; PolyPhen-2: "Probably Damaging"; Align-GVGD: "Class C15"). ClinVar contains an entry for this variant (Variation ID: 1461564). This variant has not been reported in the literature in individuals affected with CAD-related conditions. This variant is not present in population databases (gnomAD no frequency). This sequence change replaces glycine, which is neutral and non-polar, with arginine, which is basic and polar, at codon 1804 of the CAD protein (p.Gly1804Arg).